The following is an entry in ClinVar:

ClinVar aggregate classification (germline): Uncertain significance. Review status: criteria provided, multiple submitters, no conflicts (2 of 4 stars). 5 submissions from 5 submitters: Uncertain significance (5). Last evaluated 2026-09-08.

Conditions:
NAGLU-related disorder. Also called: NAGLU-related condition.
Charcot-Marie-Tooth disease axonal type 2V. Also called: CHARCOT-MARIE-TOOTH NEUROPATHY, TYPE 2V; CHARCOT-MARIE-TOOTH DISEASE, AXONAL, AUTOSOMAL DOMINANT, TYPE 2V. Identifiers: Orphanet 447964, MedGen C5569050, MONDO:0014665, OMIM 616491.
Mucopolysaccharidosis, MPS-III-B (MPS3B). Also called: N-ACETYL-ALPHA-D-GLUCOSAMINIDASE DEFICIENCY; NAGLU DEFICIENCY; SANFILIPPO SYNDROME B; MPS III B; MUCOPOLYSACCHARIDOSIS, TYPE IIIB; MPS IIIB (Sanfilippo Syndrome Type B). Identifiers: Orphanet 79270, MedGen C0086648, MONDO:0009656, OMIM 252920.
Inborn genetic diseases. Identifiers: MedGen C0950123, MeSH D030342.

Allele frequency attached by ClinVar (database versions not stated): gnomAD 0.00007; gnomAD exomes 0.00003; TOPMed 0.00003.
gnomAD v4.1: 49 of 1,351,106 alleles (0.0036%); highest among the groups gnomAD compares: African/African-American, 0.0046%; no homozygotes.

Submissions (5):

PreventionGenetics, part of Exact Sciences
Classification: Uncertain significance for NAGLU-related condition. Last evaluated: 2026-09-08. Review status: criteria provided, single submitter. Criteria: ACMG Guidelines, 2015. Collection method: clinical testing. Allele origin: germline.
Comment: The NAGLU c.259G>T variant is predicted to result in the amino acid substitution p.Ala87Ser. To our knowledge, this variant has not been reported in the literature. This variant is reported in 0.011% of alleles in individuals of African descent in gnomAD. At this time, the clinical significance of this variant is uncertain due to the absence of conclusive functional and genetic evidence.

Labcorp Genetics (formerly Invitae), Labcorp
Classification: Uncertain significance for Charcot-Marie-Tooth disease axonal type 2V; Mucopolysaccharidosis, MPS-III-B. Last evaluated: 2024-12-18. Review status: criteria provided, single submitter. Criteria: Invitae Variant Classification Sherloc (09022015). Collection method: clinical testing. Allele origin: germline.
Comment: This sequence change replaces alanine, which is neutral and non-polar, with serine, which is neutral and polar, at codon 87 of the NAGLU protein (p.Ala87Ser). The frequency data for this variant in the population databases is considered unreliable, as metrics indicate poor data quality at this position in the gnomAD database. This variant has not been reported in the literature in individuals affected with NAGLU-related conditions. ClinVar contains an entry for this variant (Variation ID: 2065087). Invitae Evidence Modeling of protein sequence and biophysical properties (such as structural, functional, and spatial information, amino acid conservation, physicochemical variation, residue mobility, and thermodynamic stability) indicates that this missense variant is not expected to disrupt NAGLU protein function with a negative predictive value of 80%. In summary, the available evidence is currently insufficient to determine the role of this variant in disease. Therefore, it has been classified as a Variant of Uncertain Significance.

Ambry Genetics
Classification: Uncertain significance for Inborn genetic diseases. Last evaluated: 2024-09-08. Review status: criteria provided, single submitter. Criteria: Ambry Variant Classification Scheme 2023. Collection method: clinical testing. Allele origin: germline.

Department of Pathology and Laboratory Medicine, Sinai Health System
Classification: Uncertain significance for Mucopolysaccharidosis, MPS-III-B; Charcot-Marie-Tooth disease axonal type 2V. Last evaluated: 2022-04-22. Review status: criteria provided, single submitter. Criteria: ACMG Guidelines, 2015. Collection method: research. Allele origin: germline.

Blueprint Genetics
Classification: Uncertain significance. Last evaluated: 2021-12-22. Review status: criteria provided, single submitter. Criteria: ACMG Guidelines, 2015. Collection method: clinical testing. Allele origin: germline.

NM_000263.4(NAGLU):c.259G>T (p.Ala87Ser)

Genes: NAGLU (N-acetyl-alpha-glucosaminidase; plus strand), LOC130060903 (ATAC-STARR-seq lymphoblastoid silent region 8533; plus strand). Cytogenetic location: 17q21.2.
Variant type: single nucleotide variant.
Coding change: c.259G>T on transcript NM_000263.4 (MANE Select); coding-DNA position 259, G replaced by T.
Protein change: p.Ala87Ser; replaces alanine 87 with serine.
Molecular consequence: missense variant.
Genome position (GRCh38, 1-based): chr17:42,536,531, G>T. VCF-style: chr17-42536531-G-T. GRCh37 (hg19) VCF-style: chr17-40688549-G-T.
Other names: short protein forms A87S.
Identifiers: ClinVar variation 2065087 (VCV002065087.8), dbSNP rs1455536725, ClinGen allele CA399595829.
Genomic context (GRCh38, chr17:42,536,531, plus strand): 5'-CTGGGCGGCGGCGGCGCGGCGCGCGTGCGGGTGCGCGGCTCCACGGGCGTGGCGGCCGCC[G>T]CGGGGCTGCACCGCTACCTGCGCGACTTCTGTGGCTGCCACGTGGCCTGGTCCGGCTCTC-3'
Protein context (NP_000254.2, residues 77-97): VRGSTGVAAA[Ala87Ser]GLHRYLRDFC